The following is an entry in ClinVar:

NM_005051.3(QARS1):c.1930G>A (p.Val644Ile)

Gene: QARS1 (glutaminyl-tRNA synthetase 1; minus strand). Cytogenetic location: 3p21.31.
Variant type: single nucleotide variant.
Coding change: c.1930G>A on transcript NM_005051.3 (MANE Select); coding-DNA position 1930, G replaced by A.
Protein change: p.Val644Ile; replaces valine 644 with isoleucine.
Molecular consequence: missense variant. On other transcripts: non-coding transcript variant (1).
Genome position (GRCh38, 1-based): chr3:49,098,626, C>T on the plus strand (G>A on the coding strand, the complement: QARS1 is on the minus strand). VCF-style: chr3-49098626-C-T. GRCh37 (hg19) VCF-style: chr3-49136059-C-T.
Other names: c.1897G>A, p.Val633Ile (NM_001272073.2); short protein forms V644I, V633I.
Identifiers: ClinVar variation 1956952 (VCV001956952.2), dbSNP rs775375268, ClinGen allele CA2391592.

ClinVar aggregate classification (germline): Uncertain significance (1 of 4 stars; one submission).

Conditions:
Diffuse cerebral and cerebellar atrophy - intractable seizures - progressive microcephaly syndrome. Also called: Microcephaly, progressive, with seizures and cerebral and cerebellar atrophy. Identifiers: Orphanet 404437, MedGen C4014239, MONDO:0014335, OMIM 615760.

Allele frequency attached by ClinVar (database versions not stated): gnomAD 0.00001; ExAC 0.00004.
gnomAD v4.1: 28 of 1,611,804 alleles (0.0017%); highest among the groups gnomAD compares: South Asian, 0.018%; no homozygotes.

Submission:

Labcorp Genetics (formerly Invitae), Labcorp
Classification: Uncertain significance for Diffuse cerebral and cerebellar atrophy - intractable seizures - progressive microcephaly syndrome. Last evaluated: 2021-12-13. Review status: criteria provided, single submitter. Criteria: Invitae Variant Classification Sherloc (09022015). Collection method: clinical testing. Allele origin: germline.
Comment: This sequence change replaces valine, which is neutral and non-polar, with isoleucine, which is neutral and non-polar, at codon 644 of the QARS protein (p.Val644Ile). This variant is present in population databases (rs775375268, gnomAD 0.02%). This variant has not been reported in the literature in individuals affected with QARS-related conditions. Algorithms developed to predict the effect of missense changes on protein structure and function output the following: SIFT: "Tolerated"; PolyPhen-2: "Benign"; Align-GVGD: "Class C0". The isoleucine amino acid residue is found in multiple mammalian species, which suggests that this missense change does not adversely affect protein function. In summary, the available evidence is currently insufficient to determine the role of this variant in disease. Therefore, it has been classified as a Variant of Uncertain Significance.